The following is an entry in ClinVar:

ClinVar aggregate classification (germline): Benign (1 of 4 stars; one submission).

Conditions:
Hereditary spastic paraplegia 31. Also called: SPASTIC PARAPLEGIA 31, AUTOSOMAL DOMINANT. Identifiers: Orphanet 101011, MedGen C1853247, MONDO:0012453, OMIM 610250.

Allele frequency attached by ClinVar (database versions not stated): gnomAD 0.00140 and 0.00157; TOPMed 0.00161; 1000 Genomes Project 0.00200; 1000 Genomes Project 30x 0.00219.

Submission:

Illumina Laboratory Services, Illumina
Classification: Benign for Hereditary spastic paraplegia 31. Last evaluated: 2018-01-13. Review status: criteria provided, single submitter. Criteria: ICSL Variant Classification Criteria 13 December 2019. Collection method: clinical testing. Allele origin: germline.
Comment: This variant was observed in the ICSL laboratory as part of a predisposition screen in an ostensibly healthy population. It had not been previously curated by ICSL or reported in the Human Gene Mutation Database (HGMD: prior to June 1st, 2018), and was therefore a candidate for classification through an automated scoring system. Utilizing variant allele frequency, disease prevalence and penetrance estimates, and inheritance mode, an automated score was calculated to assess if this variant is too frequent to cause the disease. Based on the score and internal cut-off values, a variant classified as benign is not then subjected to further curation. The score for this variant resulted in a classification of benign for this disease.

NM_001371279.1(REEP1):c.*663G>C

Gene: REEP1 (receptor accessory protein 1; minus strand). Cytogenetic location: 2p11.2.
Variant type: single nucleotide variant.
Coding change: c.*663G>C on transcript NM_001371279.1 (MANE Select); 663 bases downstream of the stop codon, G replaced by C.
Molecular consequence: 3 prime UTR variant.
Genome position (GRCh38, 1-based): chr2:86,216,376, C>G on the plus strand (G>C on the coding strand, the complement: REEP1 is on the minus strand). VCF-style: chr2-86216376-C-G. GRCh37 (hg19) VCF-style: chr2-86443499-C-G.
Other names: c.*724G>C (NM_001164730.2, NM_001164731.2, NM_022912.3); c.*663G>C (NM_001164732.2, NM_001371280.1).
Identifiers: ClinVar variation 337381 (VCV000337381.5), dbSNP rs142894251, ClinGen allele CA10616410.
Genomic context (GRCh38, chr2:86,216,376, plus strand): 5'-TCTCATCACACTTTACTGTGTTGTGAAATATTGTTTCTCTTAGTTTGTAACTTGTCTGGT[C>G]TTTTGACTAAACAACTATCTAAAGAATATAGACCACACTCCTGCAGGGAAAGGGATGTCT-3'